The following is an entry in ClinVar:

ClinVar aggregate classification (germline): Uncertain significance (1 of 4 stars; one submission).

Submission:

GeneDx
Classification: Uncertain significance. Last evaluated: 2023-04-21. Review status: criteria provided, single submitter. Criteria: GeneDx Variant Classification Process June 2021. Collection method: clinical testing. Allele origin: germline. Affected: yes.
Comment: Not observed at significant frequency in large population cohorts (gnomAD); In silico analysis supports that this missense variant has a deleterious effect on protein structure/function; Occurs in the triple helical domain at the X position in the canonical Gly-X-Y repeat; although this variant may have an effect on normal protein folding and function, missense substitution at the X position is not a common mechanism of disease; Has not been previously published as pathogenic or benign to our knowledge

NM_001845.6(COL4A1):c.2522C>A (p.Pro841His)

Gene: COL4A1 (collagen type IV alpha 1 chain; minus strand). Cytogenetic location: 13q34.
Variant type: single nucleotide variant.
Coding change: c.2522C>A on transcript NM_001845.6 (MANE Select); coding-DNA position 2522, C replaced by A.
Protein change: p.Pro841His; replaces proline 841 with histidine.
Molecular consequence: missense variant.
Genome position (GRCh38, 1-based): chr13:110,178,168, G>T on the plus strand (C>A on the coding strand, the complement: COL4A1 is on the minus strand). VCF-style: chr13-110178168-G-T. GRCh37 (hg19) VCF-style: chr13-110830515-G-T.
Other names: short protein forms P841H.
Identifiers: ClinVar variation 2662635 (VCV002662635.1), dbSNP rs1181818827, ClinGen allele CA388667922.